The following is an entry in ClinVar:

NM_004006.3(DMD):c.2381-1G>T

Gene: DMD (dystrophin; minus strand). Cytogenetic location: Xp21.1.
Variant type: single nucleotide variant.
Coding change: c.2381-1G>T on transcript NM_004006.3 (MANE Select); the canonical splice acceptor site of the intron before coding-DNA position 2381, G replaced by T.
Molecular consequence: splice acceptor variant.
Genome position (GRCh38, 1-based): chrX:32,491,519, C>A on the plus strand (G>T on the coding strand, the complement: DMD is on the minus strand). VCF-style: chrX-32491519-C-A. GRCh37 (hg19) VCF-style: chrX-32509636-C-A.
Other names: c.2357-1G>T (NM_000109.4); c.2369-1G>T (NM_004009.3); c.2012-1G>T (NM_004010.3).
Identifiers: ClinVar variation 94508 (VCV000094508.6), dbSNP rs398123887, ClinGen allele CA266933.

ClinVar aggregate classification (germline): Pathogenic/Likely pathogenic. Review status: criteria provided, multiple submitters, no conflicts (2 of 4 stars). 2 submissions from 2 submitters: Pathogenic (1); Likely pathogenic (1). Last evaluated 2012-11-01.

Conditions:
Duchenne muscular dystrophy (DMD). Also called: Duchenne Muscular Dystrophy (DMD); MUSCULAR DYSTROPHY, PSEUDOHYPERTROPHIC PROGRESSIVE, DUCHENNE TYPE. Identifiers: Orphanet 98896, MedGen C0013264, MONDO:0010679, OMIM 310200.

Submissions (2):

Eurofins Ntd Llc (ga)
Classification: Pathogenic. Last evaluated: 2012-11-01. Review status: criteria provided, single submitter. Criteria: EGL Classification Definitions 2015. Collection method: clinical testing. Allele origin: germline. Observed: 1 variant allele, 1 hemizygote.

Lifecell International Pvt. Ltd
Classification: Likely pathogenic for Duchenne muscular dystrophy. Review status: criteria provided, single submitter. Criteria: ACMG Guidelines, 2015. Collection method: clinical testing. Allele origin: germline. Inheritance: X-linked recessive inheritance. Affected: yes. Observed: 1 hemizygote.
Comment: A Hemizygote Splice site acceptor variant c.2357-1G>T in Exon 19 of the DMD gene that results in the amino acid substitution was identified. The observed variant is novel in gnomAD exomes and genomes, respectively. The severity of the impact of this variant on the protein is high, based on the effect of the protein and REVEL score . Rare Exome Variant Ensemble Learner (REVEL) is an ensembl method for predicting the pathogenicity of missense variants based on a combination of scores from 13 individual tools: MutPred, FATHMM v2.3, VEST 3.0, PolyPhen-2, SIFT, PROVEAN, MutationAssessor, MutationTaster, LRT, GERP++, SiPhy, phyloP, and phastCons. The REVEL score for an individual missense variant can range from 0 to 1, with higher scores reflecting greater likelihood that the variant is disease-causing. ClinVar has also classified this variant as Pathogenic (Variation ID: 94508). For these reasons, this variant has been classified as Likely Pathogenic.